The following is an entry in ClinVar:

ClinVar aggregate classification (germline): Uncertain significance (1 of 4 stars; one submission).

Conditions:
Hereditary cancer-predisposing syndrome. Also called: Hereditary neoplastic syndrome; Tumor predisposition; Hereditary Cancer Syndrome; Neoplastic Syndromes, Hereditary. Identifiers: Orphanet 140162, MedGen C0027672, MeSH D009386, MONDO:0015356.

Submission:

Ambry Genetics
Classification: Uncertain significance for Hereditary cancer-predisposing syndrome. Last evaluated: 2023-06-15. Review status: criteria provided, single submitter. Criteria: Ambry Variant Classification Scheme 2023. Collection method: clinical testing. Allele origin: germline.
Comment: The p.L759P variant (also known as c.2276T>C), located in coding exon 9 of the AXIN2 gene, results from a T to C substitution at nucleotide position 2276. The leucine at codon 759 is replaced by proline, an amino acid with similar properties. This amino acid position is conserved. In addition, this alteration is predicted to be tolerated by in silico analysis. Since supporting evidence is limited at this time, the clinical significance of this alteration remains unclear.

NM_004655.4(AXIN2):c.2276T>C (p.Leu759Pro)

Gene: AXIN2 (axin 2; minus strand). Cytogenetic location: 17q24.1.
Variant type: single nucleotide variant.
Coding change: c.2276T>C on transcript NM_004655.4 (MANE Select); coding-DNA position 2276, T replaced by C.
Protein change: p.Leu759Pro; replaces leucine 759 with proline.
Molecular consequence: missense variant.
Genome position (GRCh38, 1-based): chr17:65,534,041, A>G on the plus strand (T>C on the coding strand, the complement: AXIN2 is on the minus strand). VCF-style: chr17-65534041-A-G. GRCh37 (hg19) VCF-style: chr17-63530159-A-G.
Other names: c.2081T>C, p.Leu694Pro (NM_001363813.1); short protein forms L694P, L759P.
Identifiers: ClinVar variation 2586353 (VCV002586353.2), dbSNP rs1060502135, ClinGen allele CA400675604.